The following is an entry in ClinVar:

ClinVar aggregate classification (germline): Pathogenic (1 of 4 stars; one submission).

Conditions:
Hereditary spastic paraplegia 39 (SPG39). Also called: Spastic Paraplegia Type 39 (SPG39); SPASTIC PARAPLEGIA 39, AUTOSOMAL RECESSIVE. Identifiers: Orphanet 139480, MedGen C2677586, MONDO:0012787, OMIM 612020.

Submission:

Labcorp Genetics (formerly Invitae), Labcorp
Classification: Pathogenic for Hereditary spastic paraplegia 39. Last evaluated: 2022-10-05. Review status: criteria provided, single submitter. Criteria: Invitae Variant Classification Sherloc (09022015). Collection method: clinical testing. Allele origin: germline.
Comment: This variant has not been reported in the literature in individuals affected with PNPLA6-related conditions. For these reasons, this variant has been classified as Pathogenic. This variant is not present in population databases (gnomAD no frequency). This sequence change creates a premature translational stop signal (p.Ser725Thrfs*89) in the PNPLA6 gene. It is expected to result in an absent or disrupted protein product. Loss-of-function variants in PNPLA6 are known to be pathogenic (PMID: 24355708).

Literature cited by the submitters: PubMed 24355708.

NM_001166114.2(PNPLA6):c.2285_2286dup (p.Ser763fs)

Gene: PNPLA6 (patatin like domain 6, lysophospholipase; plus strand). Cytogenetic location: 19p13.2.
Variant type: Microsatellite.
Coding change: c.2285_2286dup on transcript NM_001166114.2 (MANE Select); coding-DNA positions 2285 to 2286, 2 bases duplicated (AC; older notation c.2285_2286dupAC).
Protein change: p.Ser763fs; shifts the reading frame from serine 763.
Molecular consequence: frameshift variant.
Genome position (GRCh38, 1-based): chr19:7,553,899-7,553,900, AC duplicated; duplicating any 2 consecutive bases within chr19:7,553,896-7,553,900 gives the same sequence; the c. name uses the placement nearest the transcript's 3' end. VCF-style (leftmost placement, unchanged base first): chr19-7553895-C-CCA. GRCh37 (hg19) VCF-style: chr19-7618781-C-CCA.
Other names: c.2315_2316dup, p.Ser773fs (NM_001166111.2); c.2090_2091dup, p.Ser698fs (NM_001166112.2); c.2171_2172dup, p.Ser725fs (NM_001166113.1, NM_006702.5); short protein forms S698fs, S725fs, S763fs, S773fs.
Identifiers: ClinVar variation 1071668 (VCV001071668.7), dbSNP rs2146099465, ClinGen allele CA2580613037.
Genomic context (GRCh38, chr19:7,553,895, plus strand): 5'-AGGTTCGCACCACAAATCTCATCCATTGGGTTCTTAGCAGGCTCTGGGTTGGGTGTGCCC[C>CCA]CACACTCGGAACTCACCAACCCAGCCAGCAACCTGGCAACTGTGGCAATCCTGCCTGTGT-3'